The following is an entry in ClinVar:

ClinVar aggregate classification (germline): Likely benign. Review status: criteria provided, multiple submitters, no conflicts (2 of 4 stars). 2 submissions from 2 submitters: Likely benign (2). Last evaluated 2025-07-01.

Allele frequency attached by ClinVar (database versions not stated): gnomAD exomes below 0.00001; TOPMed below 0.00001.

Submissions (2):

CeGaT Center for Human Genetics Tuebingen
Classification: Likely benign. Last evaluated: 2025-07-01. Review status: criteria provided, single submitter. Criteria: CeGaT Center For Human Genetics Tuebingen Variant Classification Criteria Version 2. Collection method: clinical testing. Allele origin: germline. Affected: yes. Observed: 1 variant allele.
Comment: TPP1: BP4, BP7

Labcorp Genetics (formerly Invitae), Labcorp
Classification: Likely benign. Last evaluated: 2023-09-30. Review status: criteria provided, single submitter. Criteria: Invitae Variant Classification Sherloc (09022015). Collection method: clinical testing. Allele origin: germline.

NM_000391.4(TPP1):c.351G>A (p.Gln117=)

Gene: TPP1 (tripeptidyl peptidase 1; minus strand). Cytogenetic location: 11p15.4.
Variant type: single nucleotide variant.
Coding change: c.351G>A on transcript NM_000391.4 (MANE Select); coding-DNA position 351, G replaced by A.
Protein change: p.Gln117=; no amino-acid change (glutamine 117 retained).
Molecular consequence: synonymous variant.
Genome position (GRCh38, 1-based): chr11:6,617,655, C>T on the plus strand (G>A on the coding strand, the complement: TPP1 is on the minus strand). VCF-style: chr11-6617655-C-T. GRCh37 (hg19) VCF-style: chr11-6638886-C-T.
Identifiers: ClinVar variation 2764544 (VCV002764544.11), dbSNP rs1240359626, ClinGen allele CA472922957.
Genomic context (GRCh38, chr11:6,617,655, plus strand): 5'-TGCCCTCCATGGAGCAATCATTTCCTCTCACCGGATGCTCAGCCAGCAAGTCAGAAAGTC[C>T]TGTGTGATCACAGAATGGCACTTCTGGGCTCCGGCTGCCAAGAGCCATTTTTGCACCGTG-3'
Protein context (NP_000382.3, residues 107-127): GAQKCHSVIT[Gln117=]DFLTCWLSIR